The following is an entry in ClinVar:

ClinVar aggregate classification (germline): Uncertain significance. Review status: criteria provided, multiple submitters, no conflicts (2 of 4 stars). 5 submissions from 4 submitters: Uncertain significance (5). Last evaluated 2024-08-06.

Conditions:
Inborn genetic diseases. Identifiers: MedGen C0950123, MeSH D030342.
Familial cutaneous telangiectasia and oropharyngeal predisposition cancer syndrome. Identifiers: Orphanet 313846, MedGen C3281203, MONDO:0013806, OMIM 614564.
Seckel syndrome 1 (SCKL1). Also called: MICROCEPHALIC PRIMORDIAL DWARFISM I. Identifiers: Orphanet 808, MedGen C4551474, MONDO:0008869, OMIM 210600.

Allele frequency attached by ClinVar (database versions not stated): TOPMed below 0.00001.

Submissions (5):

Ambry Genetics
Classification: Uncertain significance for Inborn genetic diseases. Last evaluated: 2024-08-06. Review status: criteria provided, single submitter. Criteria: Ambry Variant Classification Scheme 2023. Collection method: clinical testing. Allele origin: germline.
Comment: The p.S776T variant (also known as c.2327G>C), located in coding exon 10 of the ATR gene, results from a G to C substitution at nucleotide position 2327. The serine at codon 776 is replaced by threonine, an amino acid with similar properties. This amino acid position is conserved. In addition, this alteration is predicted to be tolerated by in silico analysis. Based on the available evidence, the clinical significance of this variant remains unclear.

Genome-Nilou Lab
Classification: Uncertain significance for Seckel syndrome 1. Last evaluated: 2023-02-08. Review status: criteria provided, single submitter. Criteria: ACMG Guidelines, 2015. Collection method: clinical testing. Allele origin: germline.

Genome-Nilou Lab
Classification: Uncertain significance for Familial cutaneous telangiectasia and oropharyngeal predisposition cancer syndrome. Last evaluated: 2023-02-08. Review status: criteria provided, single submitter. Criteria: ACMG Guidelines, 2015. Collection method: clinical testing. Allele origin: germline.

Mendelics
Classification: Uncertain significance. Last evaluated: 2022-05-04. Review status: criteria provided, single submitter. Criteria: Mendelics Assertion Criteria 2019. Collection method: clinical testing. Allele origin: germline.

Labcorp Genetics (formerly Invitae), Labcorp
Classification: Uncertain significance. Last evaluated: 2020-05-25. Review status: criteria provided, single submitter. Criteria: Invitae Variant Classification Sherloc (09022015). Collection method: clinical testing. Allele origin: germline.
Comment: In summary, the available evidence is currently insufficient to determine the role of this variant in disease. Therefore, it has been classified as a Variant of Uncertain Significance. Algorithms developed to predict the effect of missense changes on protein structure and function are either unavailable or do not agree on the potential impact of this missense change (SIFT: "Tolerated"; PolyPhen-2: "Possibly Damaging"; Align-GVGD: "Class C0"). This variant has not been reported in the literature in individuals with ATR-related conditions. This variant is not present in population databases (ExAC no frequency). This sequence change replaces serine with threonine at codon 776 of the ATR protein (p.Ser776Thr). The serine residue is highly conserved and there is a small physicochemical difference between serine and threonine.

NM_001184.4(ATR):c.2327G>C (p.Ser776Thr)

Gene: ATR (ATR checkpoint kinase; minus strand). Cytogenetic location: 3q23.
Variant type: single nucleotide variant.
Coding change: c.2327G>C on transcript NM_001184.4 (MANE Select); coding-DNA position 2327, G replaced by C.
Protein change: p.Ser776Thr; replaces serine 776 with threonine.
Molecular consequence: missense variant.
Genome position (GRCh38, 1-based): chr3:142,555,891, C>G on the plus strand (G>C on the coding strand, the complement: ATR is on the minus strand). VCF-style: chr3-142555891-C-G. GRCh37 (hg19) VCF-style: chr3-142274733-C-G.
Other names: c.2327G>C (NM_001184.3); c.2135G>C, p.Ser712Thr (NM_001354579.2); short protein forms S712T, S776T.
Identifiers: ClinVar variation 999042 (VCV000999042.11), dbSNP rs979155439, ClinGen allele CA84748125.